The following is an entry in ClinVar:

NM_024408.4(NOTCH2):c.4642G>A (p.Val1548Ile)

Gene: NOTCH2 (notch receptor 2; minus strand). Cytogenetic location: 1p12.
Variant type: single nucleotide variant.
Coding change: c.4642G>A on transcript NM_024408.4 (MANE Select); coding-DNA position 4642, G replaced by A.
Protein change: p.Val1548Ile; replaces valine 1548 with isoleucine.
Molecular consequence: missense variant.
Genome position (GRCh38, 1-based): chr1:119,923,854, C>T on the plus strand (G>A on the coding strand, the complement: NOTCH2 is on the minus strand). VCF-style: chr1-119923854-C-T. GRCh37 (hg19) VCF-style: chr1-120466477-C-T.
Other names: short protein forms V1548I.
Identifiers: ClinVar variation 3667422 (VCV003667422.2).

ClinVar aggregate classification (germline): Uncertain significance (1 of 4 stars; one submission).

Conditions:
Hajdu-Cheney syndrome (HJCYS). Also called: ACROOSTEOLYSIS WITH OSTEOPOROSIS AND CHANGES IN SKULL AND MANDIBLE; SERPENTINE FIBULA-POLYCYSTIC KIDNEY SYNDROME; Acroosteolysis dominant type. Identifiers: Orphanet 955, MedGen C0917715, MONDO:0007057, OMIM 102500.

Submission:

Labcorp Genetics (formerly Invitae), Labcorp
Classification: Uncertain significance for Hajdu-Cheney syndrome. Last evaluated: 2024-10-24. Review status: criteria provided, single submitter. Criteria: Invitae Variant Classification Sherloc (09022015). Collection method: clinical testing. Allele origin: germline.
Comment: This sequence change replaces valine, which is neutral and non-polar, with isoleucine, which is neutral and non-polar, at codon 1548 of the NOTCH2 protein (p.Val1548Ile). This variant is not present in population databases (gnomAD no frequency). This variant has not been reported in the literature in individuals affected with NOTCH2-related conditions. Invitae Evidence Modeling of protein sequence and biophysical properties (such as structural, functional, and spatial information, amino acid conservation, physicochemical variation, residue mobility, and thermodynamic stability) indicates that this missense variant is not expected to disrupt NOTCH2 protein function with a negative predictive value of 80%. In summary, the available evidence is currently insufficient to determine the role of this variant in disease. Therefore, it has been classified as a Variant of Uncertain Significance.